The following is an entry in ClinVar:

NM_024757.5(EHMT1):c.2734T>C (p.Trp912Arg)

Gene: EHMT1 (euchromatic histone lysine methyltransferase 1; plus strand). Cytogenetic location: 9q34.3.
Variant type: single nucleotide variant.
Coding change: c.2734T>C on transcript NM_024757.5 (MANE Select); coding-DNA position 2734, T replaced by C.
Protein change: p.Trp912Arg; replaces tryptophan 912 with arginine.
Molecular consequence: missense variant.
Genome position (GRCh38, 1-based): chr9:137,811,482, T>C. VCF-style: chr9-137811482-T-C. GRCh37 (hg19) VCF-style: chr9-140705934-T-C.
Other names: c.2713T>C, p.Trp905Arg (NM_001354263.2); short protein forms W905R, W912R.
Identifiers: ClinVar variation 3236874 (VCV003236874.1).

ClinVar aggregate classification (germline): Pathogenic (1 of 4 stars; one submission).

Conditions:
Kleefstra syndrome 1 (KLEFS1). Identifiers: Orphanet 261494, MedGen C0795833, MONDO:0027407, OMIM 610253.

Submission:

Laboratory of Genetics, Children's Clinical University Hospital Latvia
Classification: Pathogenic for Kleefstra syndrome 1. Review status: criteria provided, single submitter. Criteria: ACMG Guidelines, 2015. Collection method: curation. Allele origin: germline. Affected: yes.
Comment: Inheritance unknown

Literature cited by the submitters: PubMed 39013458.